The following is an entry in ClinVar:

ClinVar aggregate classification (germline): Uncertain significance. Review status: criteria provided, multiple submitters, no conflicts (2 of 4 stars). 2 submissions from 2 submitters: Uncertain significance (2). Last evaluated 2025-10-02.

Conditions:
Epidermolysis bullosa simplex with nail dystrophy (EBS5D). Identifiers: MedGen C4225309, MONDO:0014661, OMIM 616487.
Epidermolysis bullosa simplex 5C, with pyloric atresia (EBS5C). Also called: PLEC-Related Epidermolysis Bullosa with Pyloric Atresia; Epidermolysis bullosa simplex with pyloric atresia; PLEC1-Related Epidermolysis Bullosa with Pyloric Atresia. Identifiers: Orphanet 158684, MedGen C2677349, MONDO:0012807, OMIM 612138.
Epidermolysis bullosa simplex 5B, with muscular dystrophy (EBS5B). Also called: Epidermolysis bullosa simplex with muscular dystrophy; EPIDERMOLYSIS BULLOSA SIMPLEX AND LIMB-GIRDLE MUSCULAR DYSTROPHY. Identifiers: Orphanet 257, MedGen C2931072, MONDO:0009181, OMIM 226670.
Epidermolysis bullosa simplex, Ogna type (EBS5A). Also called: Pidermolysis bullosa simplex 5A, Ogna type; EPIDERMOLYSIS BULLOSA SIMPLEX 5A, OGNA TYPE. Identifiers: Orphanet 79401, MedGen C0432317, MONDO:0007555, OMIM 131950.
Autosomal recessive limb-girdle muscular dystrophy type 2Q (LGMDR17). Also called: MUSCULAR DYSTROPHY, LIMB-GIRDLE, AUTOSOMAL RECESSIVE 17. Identifiers: Orphanet 254361, MedGen C3150989, MONDO:0013390, OMIM 613723.
Inborn genetic diseases. Identifiers: MedGen C0950123, MeSH D030342.

Allele frequency attached by ClinVar (database versions not stated): gnomAD exomes below 0.00001 and 0.00001; TOPMed below 0.00001; ExAC 0.00001; gnomAD 0.00001.
gnomAD v4.1: 6 of 1,597,416 alleles (0.00038%); highest among the groups gnomAD compares: South Asian, 0.0044%; no homozygotes.

Submissions (2):

Labcorp Genetics (formerly Invitae), Labcorp
Classification: Uncertain significance for Autosomal recessive limb-girdle muscular dystrophy type 2Q; Epidermolysis bullosa simplex, Ogna type; Epidermolysis bullosa simplex with nail dystrophy; Epidermolysis bullosa simplex 5C, with pyloric atresia; Epidermolysis bullosa simplex 5B, with muscular dystrophy. Last evaluated: 2025-10-02. Review status: criteria provided, single submitter. Criteria: Invitae Variant Classification Sherloc (09022015). Collection method: clinical testing. Allele origin: germline.
Comment: This sequence change replaces glycine, which is neutral and non-polar, with glutamic acid, which is acidic and polar, at codon 3214 of the PLEC protein (p.Gly3214Glu). The frequency data for this variant in the population databases is considered unreliable, as metrics indicate poor data quality at this position in the gnomAD database. This variant has not been reported in the literature in individuals affected with PLEC-related conditions. ClinVar contains an entry for this variant (Variation ID: 1063526). An algorithm developed to predict the effect of missense changes on protein structure and function (PolyPhen-2) suggests that this variant is likely to be tolerated. In summary, the available evidence is currently insufficient to determine the role of this variant in disease. Therefore, it has been classified as a Variant of Uncertain Significance.

Ambry Genetics
Classification: Uncertain significance for Inborn genetic diseases. Last evaluated: 2025-08-22. Review status: criteria provided, single submitter. Criteria: Ambry Variant Classification Scheme 2023. Collection method: clinical testing. Allele origin: germline.

NM_201384.3(PLEC):c.9560G>A (p.Gly3187Glu)

Gene: PLEC (plectin; minus strand). Cytogenetic location: 8q24.3.
Variant type: single nucleotide variant.
Coding change: c.9560G>A on transcript NM_201384.3 (MANE Select); coding-DNA position 9560, G replaced by A.
Protein change: p.Gly3187Glu; replaces glycine 3187 with glutamic acid.
Molecular consequence: missense variant.
Genome position (GRCh38, 1-based): chr8:143,920,261, C>T on the plus strand (G>A on the coding strand, the complement: PLEC is on the minus strand). VCF-style: chr8-143920261-C-T. GRCh37 (hg19) VCF-style: chr8-144994429-C-T.
Other names: c.9641G>A, p.Gly3214Glu (NM_000445.5); c.9518G>A, p.Gly3173Glu (NM_201378.4); c.9494G>A, p.Gly3165Glu (NM_201379.3); c.9971G>A, p.Gly3324Glu (NM_201380.4); c.9464G>A, p.Gly3155Glu (NM_201381.3); c.9560G>A, p.Gly3187Glu (NM_201382.4); c.9572G>A, p.Gly3191Glu (NM_201383.3); c.9641G>A (NM_000445.3); short protein forms G3155E, G3165E, G3173E, G3187E, G3191E, G3214E, G3324E.
Identifiers: ClinVar variation 1063526 (VCV001063526.10), dbSNP rs782691999, ClinGen allele CA4924930.